The following is an entry in ClinVar:

NM_022081.6(HPS4):c.176G>C (p.Gly59Ala)

Gene: HPS4 (HPS4 biogenesis of lysosomal organelles complex 3 subunit 2; minus strand). Cytogenetic location: 22q12.1.
Variant type: single nucleotide variant.
Coding change: c.176G>C on transcript NM_022081.6 (MANE Select); coding-DNA position 176, G replaced by C.
Protein change: p.Gly59Ala; replaces glycine 59 with alanine.
Molecular consequence: missense variant. On other transcripts: non-coding transcript variant (8).
Genome position (GRCh38, 1-based): chr22:26,477,093, C>G on the plus strand (G>C on the coding strand, the complement: HPS4 is on the minus strand). VCF-style: chr22-26477093-C-G. GRCh37 (hg19) VCF-style: chr22-26873059-C-G.
Other names: c.176G>C, p.Gly59Ala (NM_001349896.1, NM_001349898.2, NM_001349899.2 and 7 more transcripts); c.161G>C, p.Gly54Ala (NM_152841.2); short protein forms G54A, G59A.
Identifiers: ClinVar variation 2047750 (VCV002047750.2), dbSNP rs2518591621, ClinGen allele CA411032526.

ClinVar aggregate classification (germline): Uncertain significance (1 of 4 stars; one submission).

Allele frequency attached by ClinVar (database versions not stated): gnomAD exomes below 0.00001.
gnomAD v4.1: 1 of 1,614,122 alleles (0.000062%); highest among the groups gnomAD compares: Non-Finnish European, 0.000085%; no homozygotes.

Submission:

Labcorp Genetics (formerly Invitae), Labcorp
Classification: Uncertain significance. Last evaluated: 2022-02-11. Review status: criteria provided, single submitter. Criteria: Invitae Variant Classification Sherloc (09022015). Collection method: clinical testing. Allele origin: germline.
Comment: In summary, the available evidence is currently insufficient to determine the role of this variant in disease. Therefore, it has been classified as a Variant of Uncertain Significance. Algorithms developed to predict the effect of missense changes on protein structure and function (SIFT, PolyPhen-2, Align-GVGD) all suggest that this variant is likely to be disruptive. This variant has not been reported in the literature in individuals affected with HPS4-related conditions. This variant is not present in population databases (gnomAD no frequency). This sequence change replaces glycine, which is neutral and non-polar, with alanine, which is neutral and non-polar, at codon 59 of the HPS4 protein (p.Gly59Ala).